The following is an entry in ClinVar:

NM_004260.4(RECQL4):c.1596C>T (p.Pro532=)

Gene: RECQL4 (RecQ like helicase 4; minus strand). Cytogenetic location: 8q24.3.
Variant type: single nucleotide variant.
Coding change: c.1596C>T on transcript NM_004260.4 (MANE Select); coding-DNA position 1596, C replaced by T.
Protein change: p.Pro532=; no amino-acid change (proline 532 retained).
Molecular consequence: synonymous variant.
Genome position (GRCh38, 1-based): chr8:144,514,960, G>A on the plus strand (C>T on the coding strand, the complement: RECQL4 is on the minus strand). VCF-style: chr8-144514960-G-A. GRCh37 (hg19) VCF-style: chr8-145740344-G-A.
Identifiers: ClinVar variation 695908 (VCV000695908.12), dbSNP rs767538015, ClinGen allele CA4948788.
Genomic context (GRCh38, chr8:144,514,960, plus strand): 5'-GGCTGTGTACGTGTGCCCAGGGCCCTGTGTGCACACCTGGTCATCCATGAGTGACAGCAG[G>A]GGAGAGACGACCAACGTGAGGCAGGGGCTGCGCCGGCTGTAGAGCAGCGCTGGGAGCTGG-3'
Protein context (NP_004251.4, residues 522-542): RSPCLTLVVS[Pro532=]LLSLMDDQVS

ClinVar aggregate classification (germline): Likely benign. Review status: criteria provided, multiple submitters, no conflicts (2 of 4 stars). 3 submissions from 3 submitters: Likely benign (2). 1 of the submissions does not count toward it. Last evaluated 2025-11-10.

Conditions:
Inborn genetic diseases. Identifiers: MedGen C0950123, MeSH D030342.
RECQL4-related disorder. Also called: RECQL4-related condition; RECQL4-related disorders.
Baller-Gerold syndrome (BGS). Also called: CRANIOSYNOSTOSIS WITH RADIAL DEFECTS. Identifiers: Orphanet 1225, MedGen C0265308, MONDO:0009039, OMIM 218600.

Allele frequency attached by ClinVar (database versions not stated): ExAC 0.00003; TOPMed 0.00008; gnomAD 0.00010; gnomAD exomes 0.00010.
gnomAD v4.1: 196 of 1,611,684 alleles (0.012%); highest among the groups gnomAD compares: Admixed American, 0.088%; no homozygotes.

Submissions (3):

Labcorp Genetics (formerly Invitae), Labcorp
Classification: Likely benign for Baller-Gerold syndrome. Last evaluated: 2025-11-10. Review status: criteria provided, single submitter. Criteria: Invitae Variant Classification Sherloc (09022015). Collection method: clinical testing. Allele origin: germline.

Ambry Genetics
Classification: Likely benign for Inborn genetic diseases. Last evaluated: 2024-10-15. Review status: criteria provided, single submitter. Criteria: Ambry Variant Classification Scheme 2023. Collection method: clinical testing. Allele origin: germline.

PreventionGenetics, part of Exact Sciences
Classification: Likely benign for RECQL4-related condition. Last evaluated: 2022-09-24. Review status: no assertion criteria provided. Collection method: clinical testing. Allele origin: germline. Not counted in ClinVar's aggregate classification.
Comment: This variant is classified as likely benign based on ACMG/AMP sequence variant interpretation guidelines (Richards et al. 2015 PMID: 25741868, with internal and published modifications).